The following is an entry in ClinVar:

ClinVar aggregate classification (germline): Benign. Review status: criteria provided, multiple submitters, no conflicts (2 of 4 stars). 4 submissions from 4 submitters: Benign (4). Last evaluated 2026-02-04.

Conditions:
Fraser syndrome 2 (FRASRS2). Identifiers: MedGen C4540036, MONDO:0054738, OMIM 617666.

Allele frequency attached by ClinVar (database versions not stated): gnomAD exomes 0.01207 and 0.02018; ExAC 0.02359; gnomAD 0.05793 and 0.06139; 1000 Genomes Project 0.06290; ESP Exome Variant Server 0.06405; TOPMed 0.06473; 1000 Genomes Project 30x 0.06699.
gnomAD v4.1: 26,918 of 1,613,960 alleles (1.7%); highest among the groups gnomAD compares: African/African-American, 18%; 1,431 homozygotes.

Submissions (4):

Labcorp Genetics (formerly Invitae), Labcorp
Classification: Benign. Last evaluated: 2026-02-04. Review status: criteria provided, single submitter. Criteria: Invitae Variant Classification Sherloc (09022015). Collection method: clinical testing. Allele origin: germline.

Mayo Clinic Laboratories, Mayo Clinic
Classification: Benign. Last evaluated: 2023-04-03. Review status: criteria provided, single submitter. Criteria: ACMG Guidelines, 2015. Collection method: clinical testing. Allele origin: germline. Observed: 5 variant alleles.

Illumina Laboratory Services, Illumina
Classification: Benign for Fraser syndrome 2. Last evaluated: 2018-01-13. Review status: criteria provided, single submitter. Criteria: ICSL Variant Classification Criteria 13 December 2019. Collection method: clinical testing. Allele origin: germline.
Comment: This variant was observed in the ICSL laboratory as part of a predisposition screen in an ostensibly healthy population. It had not been previously curated by ICSL or reported in the Human Gene Mutation Database (HGMD: prior to June 1st, 2018), and was therefore a candidate for classification through an automated scoring system. Utilizing variant allele frequency, disease prevalence and penetrance estimates, and inheritance mode, an automated score was calculated to assess if this variant is too frequent to cause the disease. Based on the score and internal cut-off values, a variant classified as benign is not then subjected to further curation. The score for this variant resulted in a classification of benign for this disease.

Breakthrough Genomics
Classification: Benign. Review status: criteria provided, single submitter. Criteria: ACMG Guidelines, 2015. Collection method: not provided. Allele origin: germline. Inheritance: Autosomal recessive inheritance. Affected: yes.

NM_207361.6(FREM2):c.2165G>A (p.Arg722Lys)

Gene: FREM2 (FRAS1 related extracellular matrix 2; plus strand). Cytogenetic location: 13q13.3.
Variant type: single nucleotide variant.
Coding change: c.2165G>A on transcript NM_207361.6 (MANE Select); coding-DNA position 2165, G replaced by A.
Protein change: p.Arg722Lys; replaces arginine 722 with lysine.
Molecular consequence: missense variant.
Genome position (GRCh38, 1-based): chr13:38,689,509, G>A. VCF-style: chr13-38689509-G-A. GRCh37 (hg19) VCF-style: chr13-39263646-G-A.
Other names: p.Arg722Lys; short protein forms R722K.
Identifiers: ClinVar variation 311955 (VCV000311955.14), dbSNP rs58363253, ClinGen allele CA6954553.